The following is an entry in ClinVar:

NM_001267550.2(TTN):c.107498_107499delinsAA (p.Ser35833Lys)

Genes: TTN-AS1 (TTN antisense RNA 1; plus strand), TTN (titin; minus strand). Cytogenetic location: 2q31.2.
Variant type: Indel.
Coding change: c.107498_107499delinsAA on transcript NM_001267550.2 (MANE Select); coding-DNA positions 107498 to 107499, GC replaced by AA.
Protein change: p.Ser35833Lys; replaces serine 35833 with lysine.
Molecular consequence: missense variant.
Genome position (GRCh38, 1-based): chr2:178,527,627-178,527,628, GC replaced by TT on the plus strand (GC replaced by AA on the coding strand, the reverse complement: TTN is on the minus strand). VCF-style: chr2-178527627-GC-TT. GRCh37 (hg19) VCF-style: chr2-179392354-GC-TT.
Other names: c.102575_102576delinsAA, p.Ser34192Lys (NM_001256850.1); c.80303_80304delinsAA, p.Ser26768Lys (NM_003319.4); c.99794_99795delinsAA, p.Ser33265Lys (NM_133378.4); c.80678_80679delinsAA, p.Ser26893Lys (NM_133432.3); c.80879_80880delinsAA, p.Ser26960Lys (NM_133437.4); short protein forms S26893K, S34192K, S26960K, S33265K, S35833K, S26768K.
Identifiers: ClinVar variation 968568 (VCV000968568.6), dbSNP rs1687011687, ClinGen allele CA1139657376.

ClinVar aggregate classification (germline): Uncertain significance (1 of 4 stars; one submission).

Conditions:
Dilated cardiomyopathy 1G (CMD1G). Identifiers: Orphanet 154, MedGen C1858763, MONDO:0011400, OMIM 604145.
Autosomal recessive limb-girdle muscular dystrophy type 2J (LGMDR10). Also called: Limb-girdle muscular dystrophy, type 2J; MUSCULAR DYSTROPHY, LIMB-GIRDLE, AUTOSOMAL RECESSIVE 10. Identifiers: Orphanet 140922, MedGen C1837342, MONDO:0012127, OMIM 608807.

Submission:

Labcorp Genetics (formerly Invitae), Labcorp
Classification: Uncertain significance for Dilated cardiomyopathy 1G; Autosomal recessive limb-girdle muscular dystrophy type 2J. Last evaluated: 2019-10-16. Review status: criteria provided, single submitter. Criteria: Invitae Variant Classification Sherloc (09022015). Collection method: clinical testing. Allele origin: germline.
Comment: This sequence change replaces serine with lysine at codon 35833 of the TTN protein (p.Ser35833Lys). There is a moderate physicochemical difference between serine and lysine. This variant is not present in population databases (ExAC no frequency). This variant has not been reported in the literature in individuals with TTN-related conditions. In summary, the available evidence is currently insufficient to determine the role of this variant in disease. Therefore, it has been classified as a Variant of Uncertain Significance. Algorithms developed to predict the effect of missense changes on protein structure and function are unavailable for the TTN gene. This variant is located in the M band of TTN (PMID: 25589632). Variants in this region may be relevant for neuromuscular disorders, but have not been definitively shown to cause cardiomyopathy (PMID: 23975875).

Literature cited by the submitters: PubMed 25589632; PubMed 23975875.